The following is an entry in ClinVar:

NM_001290060.2(SEMA3B):c.1608G>A (p.Trp536Ter)

Gene: SEMA3B (semaphorin 3B; plus strand). Cytogenetic location: 3p21.31.
Variant type: single nucleotide variant.
Coding change: c.1608G>A on transcript NM_001290060.2 (MANE Select); coding-DNA position 1608, G replaced by A.
Protein change: p.Trp536Ter; replaces tryptophan 536 with a stop codon.
Molecular consequence: nonsense.
Genome position (GRCh38, 1-based): chr3:50,275,418, G>A. VCF-style: chr3-50275418-G-A. GRCh37 (hg19) VCF-style: chr3-50312849-G-A.
Other names: c.1605G>A, p.Trp535Ter (NM_001005914.3); c.1623G>A, p.Trp541Ter (NM_001290061.1); c.579G>A, p.Trp193Ter (NM_001290062.2, NM_001290063.2); c.1608G>A, p.Trp536Ter (NM_004636.4); short protein forms W193*, W535*, W536*, W541*.
Identifiers: ClinVar variation 3352057 (VCV003352057.1).

ClinVar aggregate classification (germline): Uncertain significance (0 of 4 stars; one submission).

Conditions:
SEMA3B-related disorder. Also called: SEMA3B-related condition.

gnomAD v4.1: 31 of 1,602,200 alleles (0.0019%); highest among the groups gnomAD compares: African/African-American, 0.0027%; no homozygotes.

Submission:

PreventionGenetics, part of Exact Sciences
Classification: Uncertain significance for SEMA3B-related condition. Last evaluated: 2024-08-08. Review status: no assertion criteria provided. Collection method: clinical testing. Allele origin: germline.
Comment: The SEMA3B c.1623G>A variant is predicted to result in premature protein termination (p.Trp541*). To our knowledge, this variant has not been reported in the literature. This variant is reported in 0.0030% of alleles in individuals of European (Non-Finnish) descent in gnomAD. At this time, the clinical significance of this variant is uncertain due to the absence of conclusive functional and genetic evidence.